The following is an entry in ClinVar:

ClinVar aggregate classification (germline): Uncertain significance (1 of 4 stars; one submission).

Submission:

Greenwood Genetic Center Diagnostic Laboratories, Greenwood Genetic Center
Classification: Uncertain significance. Last evaluated: 2022-02-08. Review status: criteria provided, single submitter. Criteria: ACMG Guidelines, 2015. Collection method: clinical testing. Allele origin: germline. Affected: yes.
Comment: Gene of Uncertain Significance

NM_016107.5(ZFR):c.933dup (p.Ala312fs)

Gene: ZFR (zinc finger RNA binding protein; minus strand). Cytogenetic location: 5p13.3.
Variant type: Duplication.
Coding change: c.933dup on transcript NM_016107.5 (MANE Select); coding-DNA position 933, one base duplicated (A; older notation c.933dupA).
Protein change: p.Ala312fs; shifts the reading frame from alanine 312.
Molecular consequence: frameshift variant. On other transcripts: non-coding transcript variant (1).
Genome position (GRCh38, 1-based): chr5:32,406,873, T duplicated on the plus strand (A on the coding strand, the reverse complement: ZFR is on the minus strand); the first of 6 consecutive T bases (chr5:32,406,873-32,406,878); duplicating any one gives the same sequence. VCF-style (leftmost placement, unchanged base first): chr5-32406872-C-CT. GRCh37 (hg19) VCF-style: chr5-32406977-C-CT.
Other names: short protein forms A312fs.
Identifiers: ClinVar variation 1676576 (VCV001676576.3), dbSNP rs2111784307, ClinGen allele CA2573139582.